The following is an entry in ClinVar:

ClinVar aggregate classification (germline): Benign/Likely benign. Review status: criteria provided, multiple submitters, no conflicts (2 of 4 stars). 8 submissions from 8 submitters: Benign (1); Likely benign (6). 1 of the submissions does not count toward it. Last evaluated 2025-08-07.

Conditions:
PALB2-related disorder. Also called: PALB2-related condition; PALB2-related disorders.
Hereditary cancer-predisposing syndrome. Also called: Hereditary neoplastic syndrome; Hereditary Cancer Syndrome; Neoplastic Syndromes, Hereditary; Tumor predisposition. Identifiers: Orphanet 140162, MedGen C0027672, MeSH D009386, MONDO:0015356.
Familial cancer of breast. Also called: Hereditary breast cancer; BREAST CANCER, FAMILIAL; hereditary breast carcinoma. Identifiers: Orphanet 227535, MedGen C0346153, MONDO:0016419, OMIM 114480. Disease mechanism: loss of function.

Allele frequency attached by ClinVar (database versions not stated): gnomAD 0.00001; ExAC 0.00002; TOPMed 0.00002; gnomAD exomes 0.00003.
gnomAD v4.1: 43 of 1,613,944 alleles (0.0027%); highest among the groups gnomAD compares: South Asian, 0.024%; no homozygotes.

Submissions (8):

Labcorp Genetics (formerly Invitae), Labcorp
Classification: Likely benign for Familial cancer of breast. Last evaluated: 2025-08-07. Review status: criteria provided, single submitter. Criteria: Invitae Variant Classification Sherloc (09022015). Collection method: clinical testing. Allele origin: germline.

Center for Genomic Medicine, Rigshospitalet, Copenhagen University Hospital
Classification: Likely benign. Last evaluated: 2025-03-04. Review status: criteria provided, single submitter. Criteria: ACMG Guidelines, 2015. Collection method: clinical testing. Allele origin: germline.

Myriad Genetics, Inc.
Classification: Benign for Familial cancer of breast. Last evaluated: 2025-01-10. Review status: criteria provided, single submitter. Criteria: Myriad Autosomal Dominant, Autosomal Recessive and X-Linked Classification Criteria (2023). Collection method: clinical testing. Allele origin: unknown.
Comment: This variant is considered benign. This variant is a silent/synonymous amino acid change and it is not expected to impact splicing.

Women's Health and Genetics/Laboratory Corporation of America, LabCorp
Classification: Likely benign. Last evaluated: 2022-01-01. Review status: criteria provided, single submitter. Criteria: LabCorp Variant Classification Summary - May 2015. Collection method: clinical testing. Allele origin: germline.

GeneDx
Classification: Likely benign. Last evaluated: 2019-04-05. Review status: criteria provided, single submitter. Criteria: GeneDx Variant Classification Process June 2021. Collection method: clinical testing. Allele origin: germline. Affected: yes.

Color Diagnostics, LLC DBA Color Health
Classification: Likely benign for Hereditary cancer-predisposing syndrome. Last evaluated: 2017-06-29. Review status: criteria provided, single submitter. Criteria: ACMG Guidelines, 2015. Collection method: clinical testing. Allele origin: germline.

Ambry Genetics
Classification: Likely benign for Hereditary cancer-predisposing syndrome. Last evaluated: 2015-02-02. Review status: criteria provided, single submitter. Criteria: Ambry Variant Classification Scheme 2023. Collection method: clinical testing. Allele origin: germline.

PreventionGenetics, part of Exact Sciences
Classification: Likely benign for PALB2-related condition. Last evaluated: 2021-10-15. Review status: no assertion criteria provided. Collection method: clinical testing. Allele origin: germline. Not counted in ClinVar's aggregate classification.
Comment: This variant is classified as likely benign based on ACMG/AMP sequence variant interpretation guidelines (Richards et al. 2015 PMID: 25741868, with internal and published modifications).

NM_024675.4(PALB2):c.831C>T (p.Asp277=)

Gene: PALB2 (partner and localizer of BRCA2; minus strand). Cytogenetic location: 16p12.2.
Variant type: single nucleotide variant.
Coding change: c.831C>T on transcript NM_024675.4 (MANE Select); coding-DNA position 831, C replaced by T.
Protein change: p.Asp277=; no amino-acid change (aspartic acid 277 retained).
Molecular consequence: synonymous variant.
Genome position (GRCh38, 1-based): chr16:23,635,715, G>A on the plus strand (C>T on the coding strand, the complement: PALB2 is on the minus strand). VCF-style: chr16-23635715-G-A. GRCh37 (hg19) VCF-style: chr16-23647036-G-A.
Identifiers: ClinVar variation 230252 (VCV000230252.30), dbSNP rs62625273, ClinGen allele CA7963756.
Genomic context (GRCh38, chr16:23,635,715, plus strand): 5'-AGTCATTTTTTTGCCTTGTGCCTCCAAACTTACAGGTGAAGTAAATCTAATGTTTTTTAG[G>A]TCGTGAGTAGTAAGTTCACTGCTACCTTTAGGAGGAATGTGTTCAAGGTGCTGACTACTA-3'
Protein context (NP_078951.2, residues 267-287): PKGSSELTTH[Asp277=]LKNIRFTSPV